The following is an entry in ClinVar:

ClinVar aggregate classification (germline): Uncertain significance. Review status: criteria provided, multiple submitters, no conflicts (2 of 4 stars). 3 submissions from 3 submitters: Uncertain significance (3). Last evaluated 2025-08-06.

Conditions:
Inborn genetic diseases. Identifiers: MedGen C0950123, MeSH D030342.
STRC-related disorder. Also called: STRC-related condition.

Allele frequency attached by ClinVar (database versions not stated): gnomAD exomes 0.00001; ExAC 0.00002; gnomAD 0.00004; ESP Exome Variant Server 0.00023.
gnomAD v4.1: 19 of 1,609,130 alleles (0.0012%); highest among the groups gnomAD compares: African/African-American, 0.011%; no homozygotes.

Submissions (3):

GeneDx
Classification: Uncertain significance. Last evaluated: 2025-08-06. Review status: criteria provided, single submitter. Criteria: GeneDx Variant Classification Process June 2021. Collection method: clinical testing. Allele origin: germline. Affected: yes.
Comment: In silico analysis supports that this missense variant has a deleterious effect on protein structure/function; Has not been previously published as pathogenic or benign to our knowledge

PreventionGenetics, part of Exact Sciences
Classification: Uncertain significance for STRC-related condition. Last evaluated: 2024-10-29. Review status: criteria provided, single submitter. Criteria: ACMG Guidelines, 2015. Collection method: clinical testing. Allele origin: germline.
Comment: The STRC c.3709C>T variant is predicted to result in the amino acid substitution p.Arg1237Trp. To our knowledge, this variant has not been reported in the literature. This variant is reported in 0.017% of alleles in individuals of African descent in gnomAD. At this time, the clinical significance of this variant is uncertain due to the absence of conclusive functional and genetic evidence.

Ambry Genetics
Classification: Uncertain significance for Inborn genetic diseases. Last evaluated: 2021-09-16. Review status: criteria provided, single submitter. Criteria: Ambry Variant Classification Scheme 2023. Collection method: clinical testing. Allele origin: germline.

NM_153700.2(STRC):c.3709C>T (p.Arg1237Trp)

Gene: STRC (stereocilin; minus strand). Cytogenetic location: 15q15.3.
Variant type: single nucleotide variant.
Coding change: c.3709C>T on transcript NM_153700.2 (MANE Select); coding-DNA position 3709, C replaced by T.
Protein change: p.Arg1237Trp; replaces arginine 1237 with tryptophan.
Molecular consequence: missense variant.
Genome position (GRCh38, 1-based): chr15:43,607,948, G>A on the plus strand (C>T on the coding strand, the complement: STRC is on the minus strand). VCF-style: chr15-43607948-G-A. GRCh37 (hg19) VCF-style: chr15-43900146-G-A.
Other names: short protein forms R1237W.
Identifiers: ClinVar variation 3171602 (VCV003171602.3), dbSNP rs141745804, ClinGen allele CA7528248.